The following is an entry in ClinVar:

ClinVar aggregate classification (germline): Likely benign. Review status: criteria provided, multiple submitters, no conflicts (2 of 4 stars). 2 submissions from 2 submitters: Likely benign (2). Last evaluated 2025-02-01.

Conditions:
Gorlin syndrome. Also called: Nevoid Basal Cell Carcinoma Syndrome; Basal cell nevus syndrome. Identifiers: Orphanet 377, MedGen C0004779, MONDO:0007187.

Allele frequency attached by ClinVar (database versions not stated): gnomAD 0.00001; gnomAD exomes 0.00001; TOPMed 0.00001.
gnomAD v4.1: 16 of 1,613,218 alleles (0.00099%); highest among the groups gnomAD compares: Non-Finnish European, 0.0014%; no homozygotes.

Submissions (2):

CeGaT Center for Human Genetics Tuebingen
Classification: Likely benign. Last evaluated: 2025-02-01. Review status: criteria provided, single submitter. Criteria: CeGaT Center For Human Genetics Tuebingen Variant Classification Criteria Version 2. Collection method: clinical testing. Allele origin: germline. Affected: yes. Observed: 1 variant allele.
Comment: PTCH2: BP4, BP7

Labcorp Genetics (formerly Invitae), Labcorp
Classification: Likely benign for Gorlin syndrome. Last evaluated: 2024-02-17. Review status: criteria provided, single submitter. Criteria: Invitae Variant Classification Sherloc (09022015). Collection method: clinical testing. Allele origin: germline.

NM_003738.5(PTCH2):c.2865A>G (p.Glu955=)

Gene: PTCH2 (patched 2; minus strand). Cytogenetic location: 1p34.1.
Variant type: single nucleotide variant.
Coding change: c.2865A>G on transcript NM_003738.5 (MANE Select); coding-DNA position 2865, A replaced by G.
Protein change: p.Glu955=; no amino-acid change (glutamic acid 955 retained).
Molecular consequence: synonymous variant.
Genome position (GRCh38, 1-based): chr1:44,826,599, T>C on the plus strand (A>G on the coding strand, the complement: PTCH2 is on the minus strand). VCF-style: chr1-44826599-T-C. GRCh37 (hg19) VCF-style: chr1-45292271-T-C.
Other names: c.2865A>G, p.Glu955= (NM_001166292.2).
Identifiers: ClinVar variation 999476 (VCV000999476.22), dbSNP rs895448868, ClinGen allele CA21808171.
Genomic context (GRCh38, chr1:44,826,599, plus strand): 5'-AGTGCACACCAGCAGGATGCAGACGGCCAGCAGGAAGCAGCGCCGCAGGCCCAGATACTG[T>C]TCCCAGAAGAGGAAGGGGGAGCCGCTGGGGTAGGCGTGCACCCCAGCCTGGCCGGCCTCT-3'
Protein context (NP_003729.3, residues 945-965): YPSGSPFLFW[Glu955=]QYLGLRRCFL